The following is an entry in ClinVar:

ClinVar aggregate classification (germline): Likely benign. Review status: criteria provided, multiple submitters, no conflicts (2 of 4 stars). 3 submissions from 3 submitters: Likely benign (3). Last evaluated 2024-07-24.

Conditions:
Dilated cardiomyopathy 1DD (CMD1DD). Identifiers: Orphanet 154, MedGen C2750995, MONDO:0013168, OMIM 613172.

Submissions (3):

Labcorp Genetics (formerly Invitae), Labcorp
Classification: Likely benign for Dilated cardiomyopathy 1DD. Last evaluated: 2024-07-24. Review status: criteria provided, single submitter. Criteria: Invitae Variant Classification Sherloc (09022015). Collection method: clinical testing. Allele origin: germline.

Blueprint Genetics
Classification: Likely benign. Last evaluated: 2022-10-27. Review status: criteria provided, single submitter. Criteria: ACMG Guidelines, 2015. Collection method: clinical testing. Allele origin: germline.

Laboratory for Molecular Medicine, Mass General Brigham Personalized Medicine
Classification: Likely benign. Last evaluated: 2012-11-19. Review status: criteria provided, single submitter. Criteria: LMM Criteria. Collection method: clinical testing. Allele origin: germline. Observed: 1 variant allele.
Comment: 3451+15_3451+16delCA in intron 12 of RBM20: This variant is not expected to have clinical significance because it is not located within the splice consensus seq uence. 3451+15_3451+16delCA in intron 12 of RBM20 (allele frequency = n/a)

NM_001134363.3(RBM20):c.3451+10AC[2]

Gene: RBM20 (RNA binding motif protein 20; plus strand). Cytogenetic location: 10q25.2.
Variant type: Microsatellite.
Coding change: c.3451+10AC[2] on transcript NM_001134363.3 (MANE Select); two copies in a row of the 2-base unit AC starting at c.3451+10.
Molecular consequence: intron variant.
Genome position: GRCh38 VCF-style: chr10-110823623-AAC-A. GRCh37 (hg19) VCF-style: chr10-112583381-AAC-A.
Identifiers: ClinVar variation 44010 (VCV000044010.8), dbSNP rs397516615, ClinGen allele CA133374.